The following is an entry in ClinVar:

ClinVar aggregate classification (germline): Benign. Review status: criteria provided, multiple submitters, no conflicts (2 of 4 stars). 3 submissions from 3 submitters: Benign (2). 1 of the submissions does not count toward it. Last evaluated 2019-12-31.

Conditions:
DGKD-related disorder. Also called: DGKD-related condition.

Allele frequency attached by ClinVar (database versions not stated): gnomAD exomes 0.00317 and 0.00783; ExAC 0.00948; gnomAD 0.03097 and 0.03342; 1000 Genomes Project 0.03275; 1000 Genomes Project 30x 0.03373; ESP Exome Variant Server 0.03398; TOPMed 0.03433.

Submissions (3):

Labcorp Genetics (formerly Invitae), Labcorp
Classification: Benign. Last evaluated: 2019-12-31. Review status: criteria provided, single submitter. Criteria: Invitae Variant Classification Sherloc (09022015). Collection method: clinical testing. Allele origin: germline.

Breakthrough Genomics
Classification: Benign. Review status: criteria provided, single submitter. Criteria: ACMG Guidelines, 2015. Collection method: not provided. Allele origin: germline. Inheritance: Unknown mechanism. Affected: yes.

PreventionGenetics, part of Exact Sciences
Classification: Benign for DGKD-related condition. Last evaluated: 2019-10-01. Review status: no assertion criteria provided. Collection method: clinical testing. Allele origin: germline. Not counted in ClinVar's aggregate classification.
Comment: This variant is classified as benign based on ACMG/AMP sequence variant interpretation guidelines (Richards et al. 2015 PMID: 25741868, with internal and published modifications).

NM_152879.3(DGKD):c.2375+10A>G

Gene: DGKD (diacylglycerol kinase delta; plus strand). Cytogenetic location: 2q37.1.
Variant type: single nucleotide variant.
Coding change: c.2375+10A>G on transcript NM_152879.3 (MANE Select); 10 bases into the intron after coding-DNA position 2375, A replaced by G.
Molecular consequence: intron variant.
Genome position (GRCh38, 1-based): chr2:233,454,883, A>G. VCF-style: chr2-233454883-A-G. GRCh37 (hg19) VCF-style: chr2-234363529-A-G.
Other names: c.2243+10A>G (NM_003648.3).
Identifiers: ClinVar variation 767872 (VCV000767872.7), dbSNP rs58864422, ClinGen allele CA2175596.